The following is an entry in ClinVar:

NM_015693.4(INTU):c.1106T>G (p.Leu369Ter)

Gene: INTU (inturned planar cell polarity protein; plus strand). Cytogenetic location: 4q28.1.
Variant type: single nucleotide variant.
Coding change: c.1106T>G on transcript NM_015693.4 (MANE Select); coding-DNA position 1106, T replaced by G.
Protein change: p.Leu369Ter; replaces leucine 369 with a stop codon.
Molecular consequence: nonsense.
Genome position (GRCh38, 1-based): chr4:127,674,138, T>G. VCF-style: chr4-127674138-T-G. GRCh37 (hg19) VCF-style: chr4-128595293-T-G.
Other names: short protein forms L369*.
Identifiers: ClinVar variation 1973039 (VCV001973039.5), dbSNP rs1473749416, ClinGen allele CA358143359.
Genomic context (GRCh38, chr4:127,674,138, plus strand): 5'-ACATTTAAAGGTATTCTAACCTTATTTTGAATATATTGTTTCTTAGTTCATCCCTCCTTT[T>G]AAATGGAAAACAAATTCATGTGGCTTATTGGAAAGAATCTGACAAGTTGTTGCTAATTGG-3'

ClinVar aggregate classification (germline): Uncertain significance (1 of 4 stars; one submission).

Allele frequency attached by ClinVar (database versions not stated): TOPMed below 0.00001; gnomAD 0.00001.
gnomAD v4.1: 1 of 1,611,272 alleles (0.000062%); highest among the groups gnomAD compares: Non-Finnish European, 0.000085%; no homozygotes.

Submission:

Labcorp Genetics (formerly Invitae), Labcorp
Classification: Uncertain significance. Last evaluated: 2024-02-20. Review status: criteria provided, single submitter. Criteria: Invitae Variant Classification Sherloc (09022015). Collection method: clinical testing. Allele origin: germline.
Comment: This sequence change creates a premature translational stop signal (p.Leu369*) in the INTU gene. It is expected to result in an absent or disrupted protein product. However, the current clinical and genetic evidence is not sufficient to establish whether loss-of-function variants in INTU cause disease. This variant is not present in population databases (gnomAD no frequency). This variant has not been reported in the literature in individuals affected with INTU-related conditions. ClinVar contains an entry for this variant (Variation ID: 1973039). In summary, the available evidence is currently insufficient to determine the role of this variant in disease. Therefore, it has been classified as a Variant of Uncertain Significance.